The following is an entry in ClinVar:

ClinVar aggregate classification (germline): Uncertain significance. Review status: criteria provided, multiple submitters, no conflicts (2 of 4 stars). 3 submissions from 3 submitters: Uncertain significance (3). Last evaluated 2024-08-15.

Conditions:
Cardiomyopathy (CMYO). Also called: Cardiomyopathies. Identifiers: Orphanet 167848, MedGen C0878544, MONDO:0004994, HP:0001638. Inheritance: Various modes of inheritance.
Cardiovascular phenotype. Identifiers: MedGen CN230736.

Allele frequency attached by ClinVar (database versions not stated): ExAC 0.00001.

Submissions (3):

Ambry Genetics
Classification: Uncertain significance for Cardiovascular phenotype. Last evaluated: 2024-08-15. Review status: criteria provided, single submitter. Criteria: Ambry Variant Classification Scheme 2023. Collection method: clinical testing. Allele origin: germline.
Comment: The p.R1141W variant (also known as c.3421C>T), located in coding exon 25 of the MYH7 gene, results from a C to T substitution at nucleotide position 3421. The arginine at codon 1141 is replaced by tryptophan, an amino acid with dissimilar properties. This amino acid position is highly conserved in available vertebrate species. In addition, this alteration is predicted to be deleterious by in silico analysis. Based on the available evidence, the clinical significance of this variant remains unclear.

Color Diagnostics, LLC DBA Color Health
Classification: Uncertain significance for Cardiomyopathy. Last evaluated: 2024-03-06. Review status: criteria provided, single submitter. Criteria: ACMG Guidelines, 2015. Collection method: clinical testing. Allele origin: germline.
Comment: This missense variant replaces arginine with tryptophan at codon 1141 of the MYH7 protein. Computational prediction suggests that this variant may have a deleterious impact on protein structure and function (internally defined REVEL score threshold >= 0.7, PMID: 27666373). To our knowledge, functional studies have not been reported for this variant. This variant has not been reported in individuals affected with MYH7-related disorders in the literature. This variant has been identified in 1/235060 chromosomes in the general population by the Genome Aggregation Database (gnomAD). The available evidence is insufficient to determine the role of this variant in disease conclusively. Therefore, this variant is classified as a Variant of Uncertain Significance.

All of Us Research Program, National Institutes of Health
Classification: Uncertain significance for Cardiomyopathy. Last evaluated: 2023-05-31. Review status: criteria provided, single submitter. Criteria: ACMG Guidelines, 2015. Collection method: clinical testing. Allele origin: germline. Inheritance: Autosomal dominant inheritance. Observed: 1 variant allele, 1 heterozygote.
Comment: This study involves interpretation of variants in research participants for the purpose of population health screening. Participant phenotype was not available at the time of variant classification. Additional details can be found in publication PMID: 35346344, PMCID: PMC8962531

NM_000257.4(MYH7):c.3421C>T (p.Arg1141Trp)

Gene: MYH7 (myosin heavy chain 7; minus strand). Cytogenetic location: 14q11.2.
Variant type: single nucleotide variant.
Coding change: c.3421C>T on transcript NM_000257.4 (MANE Select); coding-DNA position 3421, C replaced by T.
Protein change: p.Arg1141Trp; replaces arginine 1141 with tryptophan.
Molecular consequence: missense variant.
Genome position (GRCh38, 1-based): chr14:23,420,150, G>A on the plus strand (C>T on the coding strand, the complement: MYH7 is on the minus strand). VCF-style: chr14-23420150-G-A. GRCh37 (hg19) VCF-style: chr14-23889359-G-A.
Other names: c.3421C>T, p.Arg1141Trp (NM_001407004.1); short protein forms R1141W.
Identifiers: ClinVar variation 2773926 (VCV002773926.4), dbSNP rs773604076, ClinGen allele CA037275.